The following is an entry in ClinVar:

ClinVar aggregate classification (germline): Uncertain significance (1 of 4 stars; one submission).

Submission:

Greenwood Genetic Center Diagnostic Laboratories, Greenwood Genetic Center
Classification: Uncertain significance. Last evaluated: 2022-04-19. Review status: criteria provided, single submitter. Criteria: ACMG Guidelines, 2015. Collection method: clinical testing. Allele origin: germline. Affected: yes.
Comment: PM2 PP2

NM_020791.4(TAOK1):c.2564C>T (p.Ala855Val)

Gene: TAOK1 (TAO kinase 1; plus strand). Cytogenetic location: 17q11.2.
Variant type: single nucleotide variant.
Coding change: c.2564C>T on transcript NM_020791.4 (MANE Select); coding-DNA position 2564, C replaced by T.
Protein change: p.Ala855Val; replaces alanine 855 with valine.
Molecular consequence: missense variant.
Genome position (GRCh38, 1-based): chr17:29,542,580, C>T. VCF-style: chr17-29542580-C-T. GRCh37 (hg19) VCF-style: chr17-27869598-C-T.
Other names: c.2120C>T, p.Ala707Val (NM_025142.1); short protein forms A707V, A855V.
Identifiers: ClinVar variation 1703149 (VCV001703149.3), dbSNP rs2508356678, ClinGen allele CA398918424.